The following is an entry in ClinVar:

NM_001040142.2(SCN2A):c.2902G>T (p.Val968Leu)

Gene: SCN2A (sodium voltage-gated channel alpha subunit 2; plus strand). Cytogenetic location: 2q24.3.
Variant type: single nucleotide variant.
Coding change: c.2902G>T on transcript NM_001040142.2 (MANE Select); coding-DNA position 2902, G replaced by T.
Protein change: p.Val968Leu; replaces valine 968 with leucine.
Molecular consequence: missense variant.
Genome position (GRCh38, 1-based): chr2:165,344,894, G>T. VCF-style: chr2-165344894-G-T. GRCh37 (hg19) VCF-style: chr2-166201404-G-T.
Other names: c.2902G>T, p.Val968Leu (NM_001040143.2, NM_001371246.1, NM_001371247.1 and 1 more transcripts); short protein forms V968L.
Identifiers: ClinVar variation 1709711 (VCV001709711.2), dbSNP rs2468008596, ClinGen allele CA349016597.

ClinVar aggregate classification (germline): Uncertain significance (1 of 4 stars; one submission).

Conditions:
Seizures, benign familial infantile, 3 (BFIS3). Also called: Familial neonatal seizures; CONVULSIONS, BENIGN FAMILIAL INFANTILE, 3. Identifiers: Orphanet 140927, Orphanet 306, MedGen C1843140, MONDO:0011904, OMIM 607745.

Submission:

MGZ Medical Genetics Center
Classification: Uncertain significance for Seizures, benign familial infantile, 3. Last evaluated: 2022-07-26. Review status: criteria provided, single submitter. Criteria: ACMG Guidelines, 2015. Collection method: clinical testing. Allele origin: germline. Affected: yes. Observed: 1 variant allele.
Comment: ACMG criteria applied: PM2_SUP, PP2, PP3